The following is an entry in ClinVar:

NM_000834.5(GRIN2B):c.1823T>A (p.Leu608Ter)

Gene: GRIN2B (glutamate ionotropic receptor NMDA type subunit 2B; minus strand). Cytogenetic location: 12p13.1.
Variant type: single nucleotide variant.
Coding change: c.1823T>A on transcript NM_000834.5 (MANE Select); coding-DNA position 1823, T replaced by A.
Protein change: p.Leu608Ter; replaces leucine 608 with a stop codon.
Molecular consequence: nonsense.
Genome position (GRCh38, 1-based): chr12:13,608,790, A>T on the plus strand (T>A on the coding strand, the complement: GRIN2B is on the minus strand). VCF-style: chr12-13608790-A-T. GRCh37 (hg19) VCF-style: chr12-13761724-A-T.
Other names: short protein forms L608*.
Identifiers: ClinVar variation 285854 (VCV000285854.6), dbSNP rs886043237, ClinGen allele CA10605276.

ClinVar aggregate classification (germline): Pathogenic (1 of 4 stars; one submission).

Conditions:
Complex neurodevelopmental disorder. Identifiers: Orphanet 528084, MedGen C5568766, MONDO:0100038.

Submission:

Eurofins Ntd Llc (ga)
Classification: Pathogenic. Last evaluated: 2016-01-22. Review status: criteria provided, single submitter. Criteria: EGL Classification Definitions 2015. Collection method: clinical testing. Allele origin: germline. Observed: 1 variant allele, 1 heterozygote.